The following is an entry in ClinVar:

NM_130811.4(SNAP25):c.256G>A (p.Gly86Arg)

Gene: SNAP25 (synaptosome associated protein 25; plus strand). Cytogenetic location: 20p12.2.
Variant type: single nucleotide variant.
Coding change: c.256G>A on transcript NM_130811.4 (MANE Select); coding-DNA position 256, G replaced by A.
Protein change: p.Gly86Arg; replaces glycine 86 with arginine.
Molecular consequence: missense variant. On other transcripts: intron variant (2).
Genome position (GRCh38, 1-based): chr20:10,293,253, G>A. VCF-style: chr20-10293253-G-A. GRCh37 (hg19) VCF-style: chr20-10273901-G-A.
Other names: c.256G>A, p.Gly86Arg (NM_001322903.2, NM_001322904.2, NM_001322905.2 and 5 more transcripts); c.281+254G>A (NM_003081.5, NM_001322902.2); short protein forms G86R.
Identifiers: ClinVar variation 568687 (VCV000568687.11), dbSNP rs763054916, ClinGen allele CA9763337.
Genomic context (GRCh38, chr20:10,293,253, plus strand): 5'-CAAATCAATAAGGACATGAAAGAAGCAGAAAAGAATTTGACGGACCTAGGAAAATTCTGC[G>A]GGCTTTGTGTGTGTCCCTGTAACAAGTAGGTGCTGCCTGCCTGCCTGAAGCTTTGATTTC-3'
Protein context (NP_570824.1, residues 76-96): KNLTDLGKFC[Gly86Arg]LCVCPCNKLK

ClinVar aggregate classification (germline): Uncertain significance. Review status: criteria provided, multiple submitters, no conflicts (2 of 4 stars). 3 submissions from 3 submitters: Uncertain significance (3). Last evaluated 2026-05-26.

Conditions:
Inborn genetic diseases. Identifiers: MedGen C0950123, MeSH D030342.
Congenital myasthenic syndrome 18. Also called: MYASTHENIC SYNDROME, CONGENITAL, 18, WITH INTELLECTUAL DISABILITY AND ATAXIA. Identifiers: Orphanet 590, MedGen C4225364, MONDO:0014590, OMIM 616330.

Allele frequency attached by ClinVar (database versions not stated): gnomAD exomes 0.00001; TOPMed below 0.00001; ExAC 0.00002; gnomAD 0.00001.
gnomAD v4.1: 14 of 1,613,862 alleles (0.00087%); highest among the groups gnomAD compares: Non-Finnish European, 0.00042%; no homozygotes.

Submissions (3):

Ambry Genetics
Classification: Uncertain significance for Inborn genetic diseases. Last evaluated: 2026-05-26. Review status: criteria provided, single submitter. Criteria: Ambry Variant Classification Scheme 2023. Collection method: clinical testing. Allele origin: germline.
Comment: The c.256G>A (p.G86R) alteration is located in exon 5 (coding exon 4) of the SNAP25 gene. This alteration results from a G to A substitution at nucleotide position 256, causing the glycine (G) at amino acid position 86 to be replaced by an arginine (R). Based on data from gnomAD, the A allele has an overall frequency of 0.001% (3/251288) total alleles studied. The highest observed frequency was 0.01% (1/10078) of Ashkenazi Jewish alleles. Based on insufficient or conflicting evidence, the clinical significance of this alteration remains unclear.

Labcorp Genetics (formerly Invitae), Labcorp
Classification: Uncertain significance for Congenital myasthenic syndrome 18. Last evaluated: 2025-01-13. Review status: criteria provided, single submitter. Criteria: Invitae Variant Classification Sherloc (09022015). Collection method: clinical testing. Allele origin: germline.
Comment: This sequence change replaces glycine, which is neutral and non-polar, with arginine, which is basic and polar, at codon 86 of the SNAP25 protein (p.Gly86Arg). This variant is present in population databases (rs763054916, gnomAD 0.01%). This variant has not been reported in the literature in individuals affected with SNAP25-related conditions. ClinVar contains an entry for this variant (Variation ID: 568687). An algorithm developed to predict the effect of missense changes on protein structure and function (PolyPhen-2) suggests that this variant is likely to be disruptive. In summary, the available evidence is currently insufficient to determine the role of this variant in disease. Therefore, it has been classified as a Variant of Uncertain Significance.

New York Genome Center
Classification: Uncertain significance. Last evaluated: 2022-08-05. Review status: criteria provided, single submitter. Criteria: NYGC Assertion Criteria 2020. Collection method: clinical testing. Allele origin: inherited. Observed: 1 heterozygote. Study: CSER-NYCKidSeq.

Literature cited by the submitters: PubMed 31440721 (cited by Ambry Genetics).